The following is an entry in ClinVar:

ClinVar aggregate classification (germline): Uncertain significance (1 of 4 stars; one submission).

Submission:

GeneDx
Classification: Uncertain significance. Last evaluated: 2025-06-24. Review status: criteria provided, single submitter. Criteria: GeneDx Variant Classification Process June 2021. Collection method: clinical testing. Allele origin: germline. Affected: yes.
Comment: Not observed at significant frequency in large population cohorts (gnomAD); In silico analysis supports that this missense variant has a deleterious effect on protein structure/function; Has not been previously published as pathogenic or benign to our knowledge

NM_001394062.1(MACF1):c.728T>C (p.Ile243Thr)

Gene: MACF1 (microtubule actin crosslinking factor 1; plus strand). Cytogenetic location: 1p34.3.
Variant type: single nucleotide variant.
Coding change: c.728T>C on transcript NM_001394062.1 (MANE Select); coding-DNA position 728, T replaced by C.
Protein change: p.Ile243Thr; replaces isoleucine 243 with threonine.
Molecular consequence: missense variant.
Genome position (GRCh38, 1-based): chr1:39,283,221, T>C. VCF-style: chr1-39283221-T-C. GRCh37 (hg19) VCF-style: chr1-39748893-T-C.
Other names: c.743T>C, p.Ile248Thr (NM_012090.5); short protein forms I243T, I248T.
Identifiers: ClinVar variation 4540361 (VCV004540361.1).